The following is an entry in ClinVar:

ClinVar aggregate classification (germline): Pathogenic. Review status: criteria provided, multiple submitters, no conflicts (2 of 4 stars). 3 submissions from 3 submitters: Pathogenic (2). 1 of the submissions does not count toward it. Last evaluated 2018-05-25.

Conditions:
Hereditary cancer-predisposing syndrome. Also called: Neoplastic Syndromes, Hereditary; Tumor predisposition; Hereditary Cancer Syndrome; Hereditary neoplastic syndrome. Identifiers: Orphanet 140162, MedGen C0027672, MeSH D009386, MONDO:0015356.
Tuberous sclerosis syndrome (TSC). Also called: Tuberous Sclerosis Complex; Tuberous sclerosis. Identifiers: Orphanet 805, MedGen C0041341, MONDO:0001734.

Submissions (3):

Ambry Genetics
Classification: Pathogenic for Hereditary cancer-predisposing syndrome. Last evaluated: 2018-05-25. Review status: criteria provided, single submitter. Criteria: Ambry Variant Classification Scheme 2023. Collection method: clinical testing. Allele origin: germline.
Comment: The c.1760_1761delAT pathogenic mutation, located in coding exon 16 of the TSC2 gene, results from a deletion of two nucleotides at nucleotide positions 1760 to 1761, causing a translational frameshift with a predicted alternate stop codon (p.Y587*). This alteration is expected to result in loss of function by premature protein truncation or nonsense-mediated mRNA decay. As such, this alteration is interpreted as a disease-causing mutation.

GeneDx
Classification: Pathogenic. Last evaluated: 2018-04-16. Review status: criteria provided, single submitter. Criteria: GeneDx Variant Classification (06012015). Collection method: clinical testing. Allele origin: germline. Affected: yes.
Comment: The c.1760_1761delAT variant in the TSC2 gene has been reported previously in association with tuberous sclerosis complex (TSC) (TSC2 LOVD). It was not observed in approximately 6,500 individuals of European and African American ancestry in the NHLBI Exome Sequencing Project, indicating it is not a common benign variant in these populations. The c.1760_1761delAT pathogenic variant in the TSC2 gene causes a frameshift starting with codon Tyrosine 587, changes this amino acid to premature Stop codon, denoted p.Y587X. This pathogenic variant is predicted to cause loss of normal protein function either through protein truncation or nonsense-mediated mRNA decay.

Tuberous sclerosis database (TSC2)
No classification provided. Condition: TSC. Review status: no classification provided. Criteria: Tuberous Sclerosis Database Assertion Criteria 2015. Collection method: curation. Allele origin: germline. Affected: yes. Not counted in ClinVar's aggregate classification.

NM_000548.5(TSC2):c.1760_1761del (p.Val586_Tyr587insTer)

Gene: TSC2 (TSC complex subunit 2; plus strand). Cytogenetic location: 16p13.3.
Variant type: Deletion.
Coding change: c.1760_1761del on transcript NM_000548.5 (MANE Select); coding-DNA positions 1760 to 1761, 2 bases deleted (AT; older notation c.1760_1761delAT).
Protein change: p.Val586_Tyr587insTer.
Molecular consequence: nonsense.
Genome position (GRCh38, 1-based): chr16:2,070,499-2,070,500, AT deleted; deleting any 2 consecutive bases within chr16:2,070,498-2,070,500 gives the same sequence; the c. name uses the placement nearest the transcript's 3' end. VCF-style (leftmost placement, unchanged base first): chr16-2070497-GTA-G. GRCh37 (hg19) VCF-style: chr16-2120498-GTA-G.
Other names: c.1760_1761del, p.Val586_Tyr587insTer (NM_001077183.3, NM_001114382.3, NM_001363528.2 and 3 more transcripts); c.1649_1650del, p.Val549_Tyr550insTer (NM_001318827.2); c.1613_1614del, p.Val537_Tyr538insTer (NM_001318829.2); c.1160_1161del, p.Val386_Tyr387insTer (NM_001318831.2); c.1793_1794del, p.Val597_Tyr598insTer (NM_001318832.2).
Identifiers: ClinVar variation 49623 (VCV000049623.5), dbSNP rs137854371, ClinGen allele CA015668.